The following is an entry in ClinVar:

NM_000748.3(CHRNB2):c.306G>A (p.Met102Ile)

Gene: CHRNB2 (cholinergic receptor nicotinic beta 2 subunit; plus strand). Cytogenetic location: 1q21.3.
Variant type: single nucleotide variant.
Coding change: c.306G>A on transcript NM_000748.3 (MANE Select); coding-DNA position 306, G replaced by A.
Protein change: p.Met102Ile; replaces methionine 102 with isoleucine.
Molecular consequence: missense variant.
Genome position (GRCh38, 1-based): chr1:154,570,308, G>A. VCF-style: chr1-154570308-G-A. GRCh37 (hg19) VCF-style: chr1-154542784-G-A.
Other names: short protein forms M102I.
Identifiers: ClinVar variation 939825 (VCV000939825.9), dbSNP rs1696138605, ClinGen allele CA342629719.

ClinVar aggregate classification (germline): Uncertain significance (1 of 4 stars; one submission).

Conditions:
Familial sleep-related hypermotor epilepsy. Also called: Autosomal Dominant Sleep-Related Hypermotor (Hyperkinetic) Epilepsy. Identifiers: Orphanet 98784, MedGen C3696898, MONDO:0000030.

Allele frequency attached by ClinVar (database versions not stated): gnomAD exomes below 0.00001.

Submission:

Labcorp Genetics (formerly Invitae), Labcorp
Classification: Uncertain significance. Last evaluated: 2022-12-02. Review status: criteria provided, single submitter. Criteria: Invitae Variant Classification Sherloc (09022015). Collection method: clinical testing. Allele origin: germline.
Comment: This sequence change replaces methionine, which is neutral and non-polar, with isoleucine, which is neutral and non-polar, at codon 102 of the CHRNB2 protein (p.Met102Ile). This variant is not present in population databases (gnomAD no frequency). This variant has not been reported in the literature in individuals affected with CHRNB2-related conditions. ClinVar contains an entry for this variant (Variation ID: 939825). Advanced modeling of protein sequence and biophysical properties (such as structural, functional, and spatial information, amino acid conservation, physicochemical variation, residue mobility, and thermodynamic stability) performed at Invitae indicates that this missense variant is not expected to disrupt CHRNB2 protein function. In summary, the available evidence is currently insufficient to determine the role of this variant in disease. Therefore, it has been classified as a Variant of Uncertain Significance.